The following is an entry in ClinVar:

NM_001271.4(CHD2):c.601A>G (p.Lys201Glu)

Gene: CHD2 (chromodomain helicase DNA binding protein 2; plus strand). Cytogenetic location: 15q26.1.
Variant type: single nucleotide variant.
Coding change: c.601A>G on transcript NM_001271.4 (MANE Select); coding-DNA position 601, A replaced by G.
Protein change: p.Lys201Glu; replaces lysine 201 with glutamic acid.
Molecular consequence: missense variant.
Genome position (GRCh38, 1-based): chr15:92,939,627, A>G. VCF-style: chr15-92939627-A-G. GRCh37 (hg19) VCF-style: chr15-93482857-A-G.
Other names: c.601A>G, p.Lys201Glu (NM_001042572.3); short protein forms K201E.
Identifiers: ClinVar variation 1352425 (VCV001352425.8), dbSNP rs750067899, ClinGen allele CA7747581.
Genomic context (GRCh38, chr15:92,939,627, plus strand): 5'-TCTCATTTTAGAACAGTGCCCAAACCTCGTGTTAAAAAGCAGCCGAAGACTCAGCGTGGA[A>G]AGAGAAAAAAGCAAGATTCTTCTGATGAGGATGATGATGATGACGAAGCTCCCAAAAGGC-3'
Protein context (NP_001262.3, residues 191-211): VKKQPKTQRG[Lys201Glu]RKKQDSSDED

ClinVar aggregate classification (germline): Uncertain significance (1 of 4 stars; one submission).

Conditions:
Developmental and epileptic encephalopathy 94 (DEE94). Also called: Epileptic encephalopathy, childhood-onset; CHD2-Related Neurodevelopmental Disorders. Identifiers: Orphanet 1942, Orphanet 2382, MedGen C3809278, MONDO:0014150, OMIM 615369.

Allele frequency attached by ClinVar (database versions not stated): gnomAD exomes below 0.00001; ExAC 0.00001; gnomAD 0.00001; TOPMed 0.00001.
gnomAD v4.1: 7 of 1,614,100 alleles (0.00043%); highest among the groups gnomAD compares: African/African-American, 0.0013%; no homozygotes.

Submission:

Labcorp Genetics (formerly Invitae), Labcorp
Classification: Uncertain significance for Developmental and epileptic encephalopathy 94. Last evaluated: 2024-03-13. Review status: criteria provided, single submitter. Criteria: Invitae Variant Classification Sherloc (09022015). Collection method: clinical testing. Allele origin: germline.
Comment: This sequence change replaces lysine, which is basic and polar, with glutamic acid, which is acidic and polar, at codon 201 of the CHD2 protein (p.Lys201Glu). This variant is present in population databases (rs750067899, gnomAD 0.004%). This variant has not been reported in the literature in individuals affected with CHD2-related conditions. ClinVar contains an entry for this variant (Variation ID: 1352425). Advanced modeling of protein sequence and biophysical properties (such as structural, functional, and spatial information, amino acid conservation, physicochemical variation, residue mobility, and thermodynamic stability) performed at Invitae indicates that this missense variant is not expected to disrupt CHD2 protein function with a negative predictive value of 95%. In summary, the available evidence is currently insufficient to determine the role of this variant in disease. Therefore, it has been classified as a Variant of Uncertain Significance.